The following is an entry in ClinVar:

NM_004260.4(RECQL4):c.3056-2A>G

Gene: RECQL4 (RecQ like helicase 4; minus strand). Cytogenetic location: 8q24.3.
Variant type: single nucleotide variant.
Coding change: c.3056-2A>G on transcript NM_004260.4 (MANE Select); the canonical splice acceptor site of the intron before coding-DNA position 3056, A replaced by G.
Molecular consequence: splice acceptor variant.
Genome position (GRCh38, 1-based): chr8:144,512,326, T>C on the plus strand (A>G on the coding strand, the complement: RECQL4 is on the minus strand). VCF-style: chr8-144512326-T-C. GRCh37 (hg19) VCF-style: chr8-145737709-T-C.
Other names: c.2927-2A>G (NM_001413025.1); c.2705-2A>G (NM_001413029.1); c.1919-2A>G (NM_001413032.1, NM_001413027.1, NM_001413030.1); c.1985-2A>G (NM_001413035.1, NM_001413040.1, NM_001413021.1 and 4 more transcripts); c.2762-2A>G (NM_001413017.1); c.2960-2A>G (NM_001413020.1); c.3026-2A>G (NM_001413039.1); c.2924-2A>G (NM_001413033.1); and 9 more.
Identifiers: ClinVar variation 2092444 (VCV002092444.4), dbSNP rs786200889, ClinGen allele CA372671006.

ClinVar aggregate classification (germline): Likely pathogenic (1 of 4 stars; one submission).

Conditions:
Baller-Gerold syndrome (BGS). Also called: CRANIOSYNOSTOSIS WITH RADIAL DEFECTS. Identifiers: Orphanet 1225, MedGen C0265308, MONDO:0009039, OMIM 218600.

gnomAD v4.1: 2 of 1,612,046 alleles (0.00012%); highest among the groups gnomAD compares: South Asian, 0.0022%; no homozygotes.

Submission:

Labcorp Genetics (formerly Invitae), Labcorp
Classification: Likely pathogenic for Baller-Gerold syndrome. Last evaluated: 2022-02-03. Review status: criteria provided, single submitter. Criteria: Invitae Variant Classification Sherloc (09022015). Collection method: clinical testing. Allele origin: germline.
Comment: In summary, the currently available evidence indicates that the variant is pathogenic, but additional data are needed to prove that conclusively. Therefore, this variant has been classified as Likely Pathogenic. Disruption of this splice site has been observed in individual(s) with Baller-Gerold syndrome (PMID: 15964893). This variant is not present in population databases (gnomAD no frequency). This sequence change affects an acceptor splice site in intron 17 of the RECQL4 gene. It is expected to disrupt RNA splicing. Variants that disrupt the donor or acceptor splice site typically lead to a loss of protein function (PMID: 16199547), and loss-of-function variants in RECQL4 are known to be pathogenic (PMID: 12734318, 12952869).

Literature cited by the submitters: PubMed 15964893; PubMed 16199547; PubMed 12734318; PubMed 12952869.